The following is an entry in ClinVar:

ClinVar aggregate classification (germline): Uncertain significance. Review status: criteria provided, multiple submitters, no conflicts (2 of 4 stars). 3 submissions from 3 submitters: Uncertain significance (3). Last evaluated 2026-08-17.

Conditions:
AKT2-related disorder. Also called: AKT2-related condition.
Type 2 diabetes mellitus. Also called: Type II diabetes mellitus. Identifiers: MedGen C0011860, MeSH D003924, MONDO:0005148, OMIM 125853, HP:0005978.
Hypoinsulinemic hypoglycemia and body hemihypertrophy. Also called: Hypoinsulinemic hypoglycemia and hemihypertrophy. Identifiers: Orphanet 293964, MedGen C3278384, MONDO:0009416, OMIM 240900.

Allele frequency attached by ClinVar (database versions not stated): ESP Exome Variant Server 0.00008; 1000 Genomes Project 0.00020; ExAC 0.00025; 1000 Genomes Project 30x 0.00031.
gnomAD v4.1: 187 of 1,592,306 alleles (0.012%); highest among the groups gnomAD compares: Middle Eastern, 0.14%; no homozygotes.

Submissions (3):

PreventionGenetics, part of Exact Sciences
Classification: Uncertain significance for AKT2-related condition. Last evaluated: 2026-08-17. Review status: criteria provided, single submitter. Criteria: ACMG Guidelines, 2015. Collection method: clinical testing. Allele origin: germline.
Comment: The AKT2 c.709-3C>G variant is predicted to interfere with splicing. To our knowledge, this variant has not been reported in the literature. This variant is reported in 0.025% of alleles in individuals of European (Non-Finnish) descent in gnomAD. Although we suspect that this variant may be benign, at this time, the clinical significance of this variant is uncertain due to the absence of conclusive functional and genetic evidence.

CeGaT Center for Human Genetics Tuebingen
Classification: Uncertain significance. Last evaluated: 2024-12-01. Review status: criteria provided, single submitter. Criteria: CeGaT Center For Human Genetics Tuebingen Variant Classification Criteria Version 2. Collection method: clinical testing. Allele origin: germline. Affected: yes. Observed: 2 variant alleles.

Labcorp Genetics (formerly Invitae), Labcorp
Classification: Uncertain significance for Hypoinsulinemic hypoglycemia and body hemihypertrophy; Type 2 diabetes mellitus. Last evaluated: 2024-08-19. Review status: criteria provided, single submitter. Criteria: Invitae Variant Classification Sherloc (09022015). Collection method: clinical testing. Allele origin: germline.
Comment: This sequence change falls in intron 8 of the AKT2 gene. It does not directly change the encoded amino acid sequence of the AKT2 protein. It affects a nucleotide within the consensus splice site. This variant is present in population databases (rs370790932, gnomAD 0.03%). This variant has not been reported in the literature in individuals affected with AKT2-related conditions. ClinVar contains an entry for this variant (Variation ID: 1969010). Variants that disrupt the consensus splice site are a relatively common cause of aberrant splicing (PMID: 17576681, 9536098). Algorithms developed to predict the effect of sequence changes on RNA splicing suggest that this variant may disrupt the consensus splice site. In summary, the available evidence is currently insufficient to determine the role of this variant in disease. Therefore, it has been classified as a Variant of Uncertain Significance.

Literature cited by the submitters: PubMed 17576681 (cited by Labcorp Genetics (formerly Invitae), Labcorp); PubMed 9536098 (cited by Labcorp Genetics (formerly Invitae), Labcorp).

NM_001626.6(AKT2):c.709-3C>G

Gene: AKT2 (AKT serine/threonine kinase 2; minus strand). Cytogenetic location: 19q13.2.
Variant type: single nucleotide variant.
Coding change: c.709-3C>G on transcript NM_001626.6 (MANE Select); 3 bases into the intron before coding-DNA position 709, C replaced by G.
Molecular consequence: intron variant.
Genome position (GRCh38, 1-based): chr19:40,238,094, G>C on the plus strand (C>G on the coding strand, the complement: AKT2 is on the minus strand). VCF-style: chr19-40238094-G-C. GRCh37 (hg19) VCF-style: chr19-40744001-G-C.
Other names: c.523-3C>G (NM_001243028.3, NM_001243027.3); c.709-3C>G (NM_001330511.1, NM_001626.5).
Identifiers: ClinVar variation 1969010 (VCV001969010.28), dbSNP rs370790932, ClinGen allele CA9441697.
Genomic context (GRCh38, chr19:40,238,094, plus strand): 5'-CATAAAACCGGGCCCGCTCCTCTGTGAAGACACGCTCCCGGGACAGGTGGAAGAACAGCT[G>C]CAGGAGGAAGGGGTGGGGAGAGGAGGTCAGGCCCCAGCCCACCCACCTGCCCTCACCTTC-3'